The following is an entry in ClinVar:

ClinVar aggregate classification (germline): Likely pathogenic. Review status: criteria provided, single submitter (1 of 4 stars). 4 submissions from 4 submitters: Likely pathogenic (1). 3 of the submissions do not count toward it. Last evaluated 2025-08-21.

Allele frequency attached by ClinVar (database versions not stated): gnomAD 0.00024; ExAC 0.00039; gnomAD exomes 0.00011; ESP Exome Variant Server 0.00023; 1000 Genomes Project 30x 0.00094.

Submissions (4):

Dasa
Classification: Likely pathogenic. Last evaluated: 2025-08-21. Review status: criteria provided, single submitter. Criteria: DASA Assertion Criteria. Collection method: clinical testing. Allele origin: germline.
Comment: NM_004667.6(HERC2):c.10021C>T (p.Gln3341*) is a nonsense variant in HERC2 predicted to introduce a premature termination codon and is predicted to result in an absent or altered protein product. Loss of function is an established disease mechanism for HERC2-associated disorders. Also, this variant is absent from population databases. Based on the currently available evidence, this variant is classified as likely pathogenic.

Clinical Genetics DNA and cytogenetics Diagnostics Lab, Erasmus MC, Erasmus Medical Center
Classification: Likely pathogenic. Review status: no assertion criteria provided. Collection method: clinical testing. Allele origin: germline. Affected: yes. Study: VKGL Data-share Consensus. Not counted in ClinVar's aggregate classification.

Genome Diagnostics Laboratory, University Medical Center Utrecht
Classification: Pathogenic. Review status: no assertion criteria provided. Collection method: clinical testing. Allele origin: germline. Affected: yes. Study: VKGL Data-share Consensus. Not counted in ClinVar's aggregate classification.

Joint Genome Diagnostic Labs from Nijmegen and Maastricht, Radboudumc and MUMC+
Classification: Likely pathogenic. Review status: no assertion criteria provided. Collection method: clinical testing. Allele origin: germline. Affected: yes. Study: VKGL Data-share Consensus. Not counted in ClinVar's aggregate classification.

NM_004667.6(HERC2):c.10021C>T (p.Gln3341Ter)

Gene: HERC2 (HECT and RLD domain containing E3 ubiquitin protein ligase 2; minus strand). Cytogenetic location: 15q13.1.
Variant type: single nucleotide variant.
Coding change: c.10021C>T on transcript NM_004667.6 (MANE Select); coding-DNA position 10021, C replaced by T.
Protein change: p.Gln3341Ter; replaces glutamine 3341 with a stop codon.
Molecular consequence: nonsense.
Genome position (GRCh38, 1-based): chr15:28,174,431, G>A on the plus strand (C>T on the coding strand, the complement: HERC2 is on the minus strand). VCF-style: chr15-28174431-G-A. GRCh37 (hg19) VCF-style: chr15-28419577-G-A.
Other names: short protein forms Q3341*.
Identifiers: ClinVar variation 1284971 (VCV001284971.6), dbSNP rs371406398, ClinGen allele CA7440987.
Genomic context (GRCh38, chr15:28,174,431, plus strand): 5'-AGAGAAGATACAAATCTGTGTTACCTAAATAGGAAGCACCTAAAGGGTCTCTTGCAGTCT[G>A]GAAGAGGACGGGCTCGTGGACAGAGGGCGTGGCCACATCCACAGTTGTCCACGCCACACT-3'